The following continues an entry in ClinVar:

NM_001042492.3(NF1):c.574C>T (p.Arg192Ter)

Gene: NF1. ClinVar aggregate classification (germline): Pathogenic. Pathogenic (33). ClinVar aggregate classification (somatic clinical impact): Tier I - Strong.

Submissions 34 to 39 of 39:

Juno Genomics, Hangzhou Juno Genomics, Inc
Classification: Pathogenic for Neurofibromatosis, type 1. Review status: criteria provided, single submitter. Criteria: ACMG Guidelines, 2015. Collection method: clinical testing. Allele origin: germline. Affected: yes.
Comment: Absent from controls (or at extremely low frequency if recessive) in Genome Aggregation Database, Exome Sequencing Project, 1000 Genomes Project, or Exome Aggregation Consortium.;Null variant in a gene where loss of function (LOF) is a known mechanism of disease.;The prevalence of the variant in affected individuals is significantly increased compared to the prevalence in controls.;Assumed de novo, but without confirmation of paternity and maternity.;Co-segregation with disease in multiple affected family members in a gene definitively known to cause the disease.

Clinical Laboratory Sciences Program (CLSP), King Saud bin Abdulaziz University for Health Sciences (KSAU-HS)
Classification: Pathogenic for Neurofibromatosis, type 1. Last evaluated: 2023-04-01. Review status: no assertion criteria provided. Collection method: clinical testing. Allele origin: germline. Affected: yes. Not counted in ClinVar's aggregate classification.

OMIM
Classification: Pathogenic for NEUROFIBROMATOSIS, TYPE I. Last evaluated: 2007-08-01. Review status: no assertion criteria provided. Collection method: literature only. Allele origin: germline. Not counted in ClinVar's aggregate classification.

Clinical Genetics DNA and cytogenetics Diagnostics Lab, Erasmus MC, Erasmus Medical Center
Classification: Pathogenic. Review status: no assertion criteria provided. Collection method: clinical testing. Allele origin: germline. Affected: yes. Study: VKGL Data-share Consensus. Not counted in ClinVar's aggregate classification.

Diagnostic Laboratory, Department of Genetics, University Medical Center Groningen
Classification: Pathogenic. Review status: no assertion criteria provided. Collection method: clinical testing. Allele origin: germline. Affected: yes. Study: VKGL Data-share Consensus. Not counted in ClinVar's aggregate classification.

NIHR Bioresource Rare Diseases, University of Cambridge
Classification: Likely pathogenic for Neurofibroma; Juvenile myelomonocytic leukemia. Review status: no assertion criteria provided. Collection method: research. Allele origin: unknown. Affected: yes. Observed: 1 variant allele. Not counted in ClinVar's aggregate classification.

Literature cited by the submitters: PubMed 10712197 (cited by 6 submitters); PubMed 23913538 (cited by Labcorp Genetics (formerly Invitae), Labcorp and Variantyx, Inc.); PubMed 10726756 (cited by 7 submitters); PubMed 15146469 (cited by 4 submitters); PubMed 16835897 (cited by 5 submitters); PubMed 21278392 (cited by Labcorp Genetics (formerly Invitae), Labcorp and Quest Diagnostics Nichols Institute San Juan Capistrano); PubMed 26056819 (cited by 4 submitters); PubMed 27838393 (cited by 4 submitters); PubMed 34427956 (cited by 3 submitters); PubMed 17406642 (cited by 4 submitters); PubMed 36612057 (cited by Dasa); PubMed 39592598 (cited by Dasa); PubMed 30613976 (cited by Mayo Clinic Laboratories, Mayo Clinic); PubMed 31347283 (cited by Mayo Clinic Laboratories, Mayo Clinic); PubMed 31370276 (cited by Mayo Clinic Laboratories, Mayo Clinic); PubMed 31717729 (cited by Mayo Clinic Laboratories, Mayo Clinic); PubMed 33877690 (cited by Mayo Clinic Laboratories, Mayo Clinic); PubMed 34374989 (cited by Mayo Clinic Laboratories, Mayo Clinic); PubMed 34418705 (cited by Mayo Clinic Laboratories, Mayo Clinic); PubMed 34694046 (cited by Mayo Clinic Laboratories, Mayo Clinic); PubMed 20301288 (cited by Victorian Clinical Genetics Services, Murdoch Childrens Research Institute); PubMed 24705251 (cited by Institute for Genomic Medicine (IGM) Clinical Laboratory, Nationwide Children's Hospital); PubMed 28966033 (cited by Institute for Genomic Medicine (IGM) Clinical Laboratory, Nationwide Children's Hospital); PubMed 33433639 (cited by Institute for Genomic Medicine (IGM) Clinical Laboratory, Nationwide Children's Hospital); PubMed 34796414 (cited by Institute for Genomic Medicine (IGM) Clinical Laboratory, Nationwide Children's Hospital); PubMed 32862234 (cited by Institute for Genomic Medicine (IGM) Clinical Laboratory, Nationwide Children's Hospital); PubMed 34759345 (cited by Institute for Genomic Medicine (IGM) Clinical Laboratory, Nationwide Children's Hospital); PubMed 32582540 (cited by Institute for Genomic Medicine (IGM) Clinical Laboratory, Nationwide Children's Hospital); PubMed 35456430 (cited by Institute for Genomic Medicine (IGM) Clinical Laboratory, Nationwide Children's Hospital); PubMed 10862084 (cited by Athena Diagnostics and Quest Diagnostics Nichols Institute San Juan Capistrano); PubMed 19142971 (cited by Athena Diagnostics and Quest Diagnostics Nichols Institute San Juan Capistrano); PubMed 32581362 (cited by Quest Diagnostics Nichols Institute San Juan Capistrano and NIHR Bioresource Rare Diseases, University of Cambridge); PubMed 15846561 (cited by OMIM).